The following is an entry in ClinVar:

NM_000191.3(HMGCL):c.497+4A>G

Gene: HMGCL (3-hydroxy-3-methylglutaryl-CoA lyase; minus strand). Cytogenetic location: 1p36.11.
Variant type: single nucleotide variant.
Coding change: c.497+4A>G on transcript NM_000191.3 (MANE Select); 4 bases into the intron after coding-DNA position 497, A replaced by G.
Molecular consequence: intron variant.
Genome position (GRCh38, 1-based): chr1:23,814,186, T>C on the plus strand (A>G on the coding strand, the complement: HMGCL is on the minus strand). VCF-style: chr1-23814186-T-C. GRCh37 (hg19) VCF-style: chr1-24140676-T-C.
Other names: c.348+2489A>G (NM_001166059.2).
Identifiers: ClinVar variation 431913 (VCV000431913.6), dbSNP rs568718845, ClinGen allele CA19295637.

ClinVar aggregate classification (germline): Likely pathogenic. Review status: criteria provided, multiple submitters, no conflicts (2 of 4 stars). 4 submissions from 4 submitters: Likely pathogenic (3). 1 of the submissions does not count toward it. Last evaluated 2025-11-18.

Conditions:
Deficiency of hydroxymethylglutaryl-CoA lyase (HMGCLD). Also called: Defect in leucine metabolism; 3-hydroxy-3-methylglutaric aciduria; HMG-CoA LYASE DEFICIENCY; HMGCL DEFICIENCY; HYDROXYMETHYLGLUTARIC ACIDURIA. Identifiers: Orphanet 20, MedGen C1533587, MONDO:0009520, OMIM 246450.
Long chain 3-hydroxyacyl-CoA dehydrogenase deficiency. Also called: LCHAD Deficiency; Deficiency of long-chain 3-hydroxyacyl-coenzyme A dehydrogenase. Identifiers: Orphanet 5, MedGen C3711645, MONDO:0012173, OMIM 609016.

Allele frequency attached by ClinVar (database versions not stated): gnomAD exomes 0.00001 and 0.00002; TOPMed 0.00001.
gnomAD v4.1: 9 of 1,613,492 alleles (0.00056%); highest among the groups gnomAD compares: Non-Finnish European, 0.00076%; no homozygotes.

Submissions (4):

Natera, Inc.
Classification: Likely pathogenic for Deficiency of long-chain 3-hydroxyacyl-coenzyme A dehydrogenase. Last evaluated: 2025-11-18. Review status: criteria provided, single submitter. Criteria: Natera Variant Classification Schema (03/2026). Collection method: clinical testing. Allele origin: germline.
Comment: The c.497+4A>G variant in HMGCL is an intronic variant located outside the canonical splice sites. This variant is rare in the general population with a frequency below the threshold expected for the associated phenotype(s). This variant has been observed in one or more individuals affected with the associated recessive disease, as either homozygous or compound heterozygous with a second variant (PMID: 19177531). Functional studies show that this variant may disrupt protein function (PMID: 19177531). Computational prediction algorithms indicate this variant is likely to affect gene or protein function. Given the available evidence, this variant is classified as Likely Pathogenic.

Baylor Genetics
Classification: Likely pathogenic for Deficiency of hydroxymethylglutaryl-CoA lyase. Last evaluated: 2024-01-20. Review status: criteria provided, single submitter. Criteria: ACMG Guidelines, 2015. Collection method: clinical testing. Allele origin: unknown.

GeneDx
Classification: Likely pathogenic. Last evaluated: 2015-10-05. Review status: criteria provided, single submitter. Criteria: GeneDx Variant Classification (06012015). Collection method: clinical testing. Allele origin: germline. Affected: yes.
Comment: An individual with symptoms associated with HMG-CoA lyase deficiency was heterozygous for this variant and a nonsense variant; however, parental testing was not done to confirm the variants were in trans (Menao et al., 2009). Functional analysis found that the c.497+4 A>G variant results in alternative splicing with 2 transcripts, one bearing a five-exon deletion and the other with deletion of exons 5 and 6 (Menao et al., 2009). Additionally, this nucleotide substitution occurs at a position that is conserved across species and several in-silico splice prediction models predict that c.497+4 A>G creates a cryptic donor site in intron 5. Therefore, this variant is likely pathogenic; however, the possibility that it is benign cannot be excluded.

Counsyl
Classification: Uncertain significance for Deficiency of hydroxymethylglutaryl-CoA lyase. Last evaluated: 2017-02-14. Review status: no assertion criteria provided. Collection method: clinical testing. Allele origin: unknown. Not counted in ClinVar's aggregate classification.

Literature cited by the submitters: PubMed 19177531 (cited by Natera, Inc. and Counsyl).